The following is an entry in ClinVar:

NM_019885.4(CYP26B1):c.1085T>C (p.Met362Thr)

Gene: CYP26B1 (cytochrome P450 family 26 subfamily B member 1; minus strand). Cytogenetic location: 2p13.2.
Variant type: single nucleotide variant.
Coding change: c.1085T>C on transcript NM_019885.4 (MANE Select); coding-DNA position 1085, T replaced by C.
Protein change: p.Met362Thr; replaces methionine 362 with threonine.
Molecular consequence: missense variant.
Genome position (GRCh38, 1-based): chr2:72,133,084, A>G on the plus strand (T>C on the coding strand, the complement: CYP26B1 is on the minus strand). VCF-style: chr2-72133084-A-G. GRCh37 (hg19) VCF-style: chr2-72360213-A-G.
Other names: c.860T>C, p.Met287Thr (NM_001277742.2); short protein forms M287T, M362T.
Identifiers: ClinVar variation 3370549 (VCV003370549.1).

ClinVar aggregate classification (germline): Uncertain significance (1 of 4 stars; one submission).

Submission:

GeneDx
Classification: Uncertain significance. Last evaluated: 2024-03-06. Review status: criteria provided, single submitter. Criteria: GeneDx Variant Classification Process June 2021. Collection method: clinical testing. Allele origin: germline. Affected: yes.
Comment: Not observed at significant frequency in large population cohorts (gnomAD); In silico analysis supports that this missense variant has a deleterious effect on protein structure/function; Has not been previously published as pathogenic or benign to our knowledge